The following is an entry in ClinVar:

NM_031844.3(HNRNPU):c.137A>C (p.Glu46Ala)

Gene: HNRNPU (heterogeneous nuclear ribonucleoprotein U; minus strand). Cytogenetic location: 1q44.
Variant type: single nucleotide variant.
Coding change: c.137A>C on transcript NM_031844.3 (MANE Select); coding-DNA position 137, A replaced by C.
Protein change: p.Glu46Ala; replaces glutamic acid 46 with alanine.
Molecular consequence: missense variant.
Genome position (GRCh38, 1-based): chr1:244,864,171, T>G on the plus strand (A>C on the coding strand, the complement: HNRNPU is on the minus strand). VCF-style: chr1-244864171-T-G. GRCh37 (hg19) VCF-style: chr1-245027473-T-G.
Other names: c.137A>C, p.Glu46Ala (NM_004501.3); short protein forms E46A.
Identifiers: ClinVar variation 1469688 (VCV001469688.4), dbSNP rs2102990989, ClinGen allele CA345497989.

ClinVar aggregate classification (germline): Conflicting classifications of pathogenicity. Review status: criteria provided, conflicting classifications (1 of 4 stars). 2 submissions from 2 submitters: Uncertain significance (1); Likely benign (1). Last evaluated 2023-08-17.

Conditions:
Developmental and epileptic encephalopathy, 54. Also called: Epileptic encephalopathy, early infantile, 54; HNRNPU-Related Neurodevelopmental Disorder. Identifiers: MedGen C4479319, MONDO:0033363, OMIM 617391.
heterogeneous nuclear ribonucleoprotein G, human.

Allele frequency attached by ClinVar (database versions not stated): gnomAD exomes below 0.00001.
gnomAD v4.1: 1 of 1,606,416 alleles (0.000062%); highest among the groups gnomAD compares: Non-Finnish European, 0.000085%; no homozygotes.

Submissions (2):

Dr. med. U. Finckh, Human Genetics, Eurofins MVZ
Classification: Likely benign for Developmental and epileptic encephalopathy, 54. Last evaluated: 2023-08-17. Review status: criteria provided, single submitter. Criteria: ACMG Guidelines, 2015. Collection method: clinical testing. Allele origin: paternal. Affected: no. Observed: 2 heterozygotes.
Comment: PM2_SUP, BS2, BP4_MOD (based on REVEL score interpretation of PMID 36413997), BP1

Labcorp Genetics (formerly Invitae), Labcorp
Classification: Uncertain significance. Last evaluated: 2021-09-01. Review status: criteria provided, single submitter. Criteria: Invitae Variant Classification Sherloc (09022015). Collection method: clinical testing. Allele origin: germline.